The following is an entry in ClinVar:

ClinVar aggregate classification (germline): Uncertain significance. Review status: criteria provided, multiple submitters, no conflicts (2 of 4 stars). 2 submissions from 2 submitters: Uncertain significance (2). Last evaluated 2026-03-20.

Conditions:
Familial thoracic aortic aneurysm and aortic dissection (TAAD). Also called: Thoracic aortic aneurysms and dissections. Identifiers: Orphanet 91387, MedGen C4707243, MONDO:0019625.

Submissions (2):

GeneDx
Classification: Uncertain significance. Last evaluated: 2026-03-20. Review status: criteria provided, single submitter. Criteria: GeneDx Variant Classification Process June 2021. Collection method: clinical testing. Allele origin: germline.
Comment: Not observed at significant frequency in large population cohorts (gnomAD); In silico analysis supports that this missense variant has a deleterious effect on protein structure/function; Has not been previously published as pathogenic or benign to our knowledge; This variant is associated with the following publications: (PMID: 21529752)

Ambry Genetics
Classification: Uncertain significance for Familial thoracic aortic aneurysm and aortic dissection. Last evaluated: 2025-05-26. Review status: criteria provided, single submitter. Criteria: Ambry Variant Classification Scheme 2023. Collection method: clinical testing. Allele origin: germline.

NM_002474.3(MYH11):c.4765G>A (p.Glu1589Lys)

Genes: MYH11 (myosin heavy chain 11; minus strand), NDE1 (nudE neurodevelopment protein 1; plus strand). Cytogenetic location: 16p13.11.
Variant type: single nucleotide variant.
Coding change: c.4765G>A on transcript NM_002474.3 (MANE Select); coding-DNA position 4765, G replaced by A.
Protein change: p.Glu1589Lys; replaces glutamic acid 1589 with lysine.
Molecular consequence: missense variant. On other transcripts: intron variant (2).
Genome position (GRCh38, 1-based): chr16:15,720,865, C>T on the plus strand (G>A on the coding strand, the complement: MYH11 is on the minus strand). VCF-style: chr16-15720865-C-T. GRCh37 (hg19) VCF-style: chr16-15814722-C-T.
Other names: c.4786G>A, p.Glu1596Lys (NM_001040113.2, NM_001040114.2); c.4765G>A, p.Glu1589Lys (NM_022844.3); c.948-3326C>T (NM_001143979.2, NM_017668.3); short protein forms E1589K, E1596K.
Identifiers: ClinVar variation 3915428 (VCV003915428.2).